The following is an entry in ClinVar:

NM_006270.5(RRAS):c.53G>A (p.Gly18Glu)

Gene: RRAS (RAS related; minus strand). Cytogenetic location: 19q13.33.
Variant type: single nucleotide variant.
Coding change: c.53G>A on transcript NM_006270.5 (MANE Select); coding-DNA position 53, G replaced by A.
Protein change: p.Gly18Glu; replaces glycine 18 with glutamic acid.
Molecular consequence: missense variant.
Genome position (GRCh38, 1-based): chr19:49,640,046, C>T on the plus strand (G>A on the coding strand, the complement: RRAS is on the minus strand). VCF-style: chr19-49640046-C-T. GRCh37 (hg19) VCF-style: chr19-50143303-C-T.
Other names: short protein forms G18E.
Identifiers: ClinVar variation 1406231 (VCV001406231.7), dbSNP rs1447937831, ClinGen allele CA406849956.

ClinVar aggregate classification (germline): Uncertain significance (1 of 4 stars; one submission).

Conditions:
Noonan syndrome (NS). Also called: Noonan's syndrome. Identifiers: Orphanet 648, MedGen C0028326, MeSH D009634, MONDO:0018997. Disease mechanism: gain of function.

Allele frequency attached by ClinVar (database versions not stated): gnomAD exomes below 0.00001 and 0.00001.
gnomAD v4.1: 2 of 1,510,630 alleles (0.00013%); highest among the groups gnomAD compares: Non-Finnish European, 0.00018%; no homozygotes.

Submission:

Labcorp Genetics (formerly Invitae), Labcorp
Classification: Uncertain significance for Noonan syndrome. Last evaluated: 2025-01-15. Review status: criteria provided, single submitter. Criteria: Invitae Variant Classification Sherloc (09022015). Collection method: clinical testing. Allele origin: germline.
Comment: This sequence change replaces glycine, which is neutral and non-polar, with glutamic acid, which is acidic and polar, at codon 18 of the RRAS protein (p.Gly18Glu). The frequency data for this variant in the population databases is considered unreliable, as metrics indicate poor data quality at this position in the gnomAD database. This variant has not been reported in the literature in individuals affected with RRAS-related conditions. ClinVar contains an entry for this variant (Variation ID: 1406231). An algorithm developed to predict the effect of missense changes on protein structure and function (PolyPhen-2) suggests that this variant is likely to be tolerated. In summary, the available evidence is currently insufficient to determine the role of this variant in disease. Therefore, it has been classified as a Variant of Uncertain Significance.